The following is an entry in ClinVar:

NM_001029883.3(PCARE):c.724G>A (p.Val242Met)

Gene: PCARE (photoreceptor cilium actin regulator; minus strand). Cytogenetic location: 2p23.2.
Variant type: single nucleotide variant.
Coding change: c.724G>A on transcript NM_001029883.3 (MANE Select); coding-DNA position 724, G replaced by A.
Protein change: p.Val242Met; replaces valine 242 with methionine.
Molecular consequence: missense variant.
Genome position (GRCh38, 1-based): chr2:29,073,538, C>T on the plus strand (G>A on the coding strand, the complement: PCARE is on the minus strand). VCF-style: chr2-29073538-C-T. GRCh37 (hg19) VCF-style: chr2-29296404-C-T.
Other names: short protein forms V242M.
Identifiers: ClinVar variation 961769 (VCV000961769.8), dbSNP rs746789187, ClinGen allele CA1592591.

ClinVar aggregate classification (germline): Uncertain significance. Review status: criteria provided, multiple submitters, no conflicts (2 of 4 stars). 2 submissions from 2 submitters: Uncertain significance (2). Last evaluated 2025-10-22.

Allele frequency attached by ClinVar (database versions not stated): gnomAD exomes 0.00001 and 0.00004; ExAC 0.00002; gnomAD 0.00003 and 0.00004; TOPMed 0.00003.

Submissions (2):

Labcorp Genetics (formerly Invitae), Labcorp
Classification: Uncertain significance. Last evaluated: 2025-10-22. Review status: criteria provided, single submitter. Criteria: Invitae Variant Classification Sherloc (09022015). Collection method: clinical testing. Allele origin: germline.
Comment: This sequence change replaces valine, which is neutral and non-polar, with methionine, which is neutral and non-polar, at codon 242 of the PCARE protein (p.Val242Met). This variant is present in population databases (rs746789187, gnomAD 0.002%). This variant has not been reported in the literature in individuals affected with PCARE-related conditions. ClinVar contains an entry for this variant (Variation ID: 961769). An algorithm developed to predict the effect of missense changes on protein structure and function outputs the following: PolyPhen-2: "Benign". The methionine amino acid residue is found in multiple mammalian species, which suggests that this missense change does not adversely affect protein function. In summary, the available evidence is currently insufficient to determine the role of this variant in disease. Therefore, it has been classified as a Variant of Uncertain Significance.

Blueprint Genetics
Classification: Uncertain significance. Last evaluated: 2022-11-30. Review status: criteria provided, single submitter. Criteria: ACMG Guidelines, 2015. Collection method: clinical testing. Allele origin: germline.